The following is an entry in ClinVar:

ClinVar aggregate classification (germline): Benign. Review status: criteria provided, multiple submitters, no conflicts (2 of 4 stars). 2 submissions from 2 submitters: Benign (2). Last evaluated 2018-06-16.

Allele frequency attached by ClinVar (database versions not stated): TOPMed 0.08530; gnomAD 0.08624 and 0.08917; gnomAD exomes 0.08659; 1000 Genomes Project 30x 0.13007; 1000 Genomes Project 0.13498.
gnomAD v4.1: 135,463 of 1,558,318 alleles (8.7%); highest among the groups gnomAD compares: East Asian, 31%; 7,288 homozygotes.

Submissions (2):

GeneDx
Classification: Benign. Last evaluated: 2018-06-16. Review status: criteria provided, single submitter. Criteria: GeneDx Variant Classification (06012015). Collection method: clinical testing. Allele origin: germline. Affected: yes.
Comment: This variant is considered likely benign or benign based on one or more of the following criteria: it is a conservative change, it occurs at a poorly conserved position in the protein, it is predicted to be benign by multiple in silico algorithms, and/or has population frequency not consistent with disease.

Breakthrough Genomics
Classification: Benign. Review status: criteria provided, single submitter. Criteria: ACMG Guidelines, 2015. Collection method: not provided. Allele origin: germline. Inheritance: Autosomal recessive inheritance. Affected: yes.

NM_194248.3(OTOF):c.328-59T>C

Gene: OTOF (otoferlin; minus strand). Cytogenetic location: 2p23.3.
Variant type: single nucleotide variant.
Coding change: c.328-59T>C on transcript NM_194248.3 (MANE Select); 59 bases into the intron before coding-DNA position 328, T replaced by C.
Molecular consequence: intron variant.
Genome position (GRCh38, 1-based): chr2:26,516,658, A>G on the plus strand (T>C on the coding strand, the complement: OTOF is on the minus strand). VCF-style: chr2-26516658-A-G. GRCh37 (hg19) VCF-style: chr2-26739526-A-G.
Other names: c.328-59T>C (NM_001287489.2).
Identifiers: ClinVar variation 683132 (VCV000683132.2), dbSNP rs55682147, ClinGen allele CA11223544.
Genomic context (GRCh38, chr2:26,516,658, plus strand): 5'-GTCTGAAGGGAGGGAGGCGGTGGTGAGCAGCTGGGATGGTGACAGCAATCTCCACCCCGT[A>G]TATGTGGCTGCTTGGTGGTGTTTACACAGCGCTTCCACACCCTTGCCTCACTGGAGGAGG-3'